The following is an entry in ClinVar:

ClinVar aggregate classification (germline): Likely benign (0 of 4 stars; one submission).

Conditions:
HAL-related disorder. Also called: HAL-related condition.

Allele frequency attached by ClinVar (database versions not stated): TOPMed 0.00003; gnomAD 0.00004; ExAC 0.00006.
gnomAD v4.1: 92 of 1,613,864 alleles (0.0057%); highest among the groups gnomAD compares: East Asian, 0.042%; no homozygotes.

Submission:

PreventionGenetics, part of Exact Sciences
Classification: Likely benign for HAL-related condition. Last evaluated: 2019-03-18. Review status: no assertion criteria provided. Collection method: clinical testing. Allele origin: germline.
Comment: This variant is classified as likely benign based on ACMG/AMP sequence variant interpretation guidelines (Richards et al. 2015 PMID: 25741868, with internal and published modifications).

NM_002108.4(HAL):c.1956G>A (p.Pro652=)

Gene: HAL (histidine ammonia-lyase; minus strand). Cytogenetic location: 12q23.1.
Variant type: single nucleotide variant.
Coding change: c.1956G>A on transcript NM_002108.4 (MANE Select); coding-DNA position 1956, G replaced by A.
Protein change: p.Pro652=; no amino-acid change (proline 652 retained).
Molecular consequence: synonymous variant. On other transcripts: 3 prime UTR variant (1).
Genome position (GRCh38, 1-based): chr12:95,974,250, C>T on the plus strand (G>A on the coding strand, the complement: HAL is on the minus strand). VCF-style: chr12-95974250-C-T. GRCh37 (hg19) VCF-style: chr12-96368028-C-T.
Other names: c.1332G>A, p.Pro444= (NM_001258333.2); c.*110G>A (NM_001258334.2).
Identifiers: ClinVar variation 3043109 (VCV003043109.2), dbSNP rs112610390, ClinGen allele CA6727367.